The following is an entry in ClinVar:

ClinVar aggregate classification (germline): Uncertain significance (1 of 4 stars; one submission).

Conditions:
Hereditary cancer-predisposing syndrome. Also called: Hereditary Cancer Syndrome; Hereditary neoplastic syndrome; Neoplastic Syndromes, Hereditary; Tumor predisposition. Identifiers: Orphanet 140162, MedGen C0027672, MeSH D009386, MONDO:0015356.

Submission:

Ambry Genetics
Classification: Uncertain significance for Hereditary cancer-predisposing syndrome. Last evaluated: 2025-08-08. Review status: criteria provided, single submitter. Criteria: Ambry Variant Classification Scheme 2023. Collection method: clinical testing. Allele origin: germline.
Comment: The p.S1937P variant (also known as c.5809T>C), located in coding exon 10 of the BRCA2 gene, results from a T to C substitution at nucleotide position 5809. The serine at codon 1937 is replaced by proline, an amino acid with similar properties. This amino acid position is conserved. In addition, this alteration is predicted to be tolerated by in silico analysis. Based on the available evidence, the clinical significance of this variant remains unclear.

NM_000059.4(BRCA2):c.5809T>C (p.Ser1937Pro)

Gene: BRCA2 (BRCA2 DNA repair associated; plus strand). Cytogenetic location: 13q13.1.
Variant type: single nucleotide variant.
Coding change: c.5809T>C on transcript NM_000059.4 (MANE Select); coding-DNA position 5809, T replaced by C.
Protein change: p.Ser1937Pro; replaces serine 1937 with proline.
Molecular consequence: missense variant. On other transcripts: non-coding transcript variant (1), intron variant (2).
Genome position (GRCh38, 1-based): chr13:32,340,164, T>C. VCF-style: chr13-32340164-T-C. GRCh37 (hg19) VCF-style: chr13-32914301-T-C.
Other names: c.1910-4394T>C (NM_001406721.1); c.425-4394T>C (NM_001406722.1); c.5809T>C, p.Ser1937Pro (NM_001406719.1, NM_001406720.1, NM_001432077.1); short protein forms S1937P.
Identifiers: ClinVar variation 4215903 (VCV004215903.1).